The following is an entry in ClinVar:

NM_012338.4(TSPAN12):c.481G>A (p.Gly161Arg)

Gene: TSPAN12 (tetraspanin 12; minus strand). Cytogenetic location: 7q31.31.
Variant type: single nucleotide variant.
Coding change: c.481G>A on transcript NM_012338.4 (MANE Select); coding-DNA position 481, G replaced by A.
Protein change: p.Gly161Arg; replaces glycine 161 with arginine.
Molecular consequence: missense variant.
Genome position (GRCh38, 1-based): chr7:120,806,680, C>T on the plus strand (G>A on the coding strand, the complement: TSPAN12 is on the minus strand). VCF-style: chr7-120806680-C-T. GRCh37 (hg19) VCF-style: chr7-120446734-C-T.
Other names: short protein forms G161R.
Identifiers: ClinVar variation 1449680 (VCV001449680.6), dbSNP rs2116348660, ClinGen allele CA369136542.

ClinVar aggregate classification (germline): Uncertain significance (1 of 4 stars; one submission).

Submission:

Labcorp Genetics (formerly Invitae), Labcorp
Classification: Uncertain significance. Last evaluated: 2021-08-27. Review status: criteria provided, single submitter. Criteria: Invitae Variant Classification Sherloc (09022015). Collection method: clinical testing. Allele origin: germline.
Comment: This sequence change replaces glycine with arginine at codon 161 of the TSPAN12 protein (p.Gly161Arg). The glycine residue is highly conserved and there is a moderate physicochemical difference between glycine and arginine. In summary, the available evidence is currently insufficient to determine the role of this variant in disease. Therefore, it has been classified as a Variant of Uncertain Significance. Algorithms developed to predict the effect of missense changes on protein structure and function (SIFT, PolyPhen-2, Align-GVGD) all suggest that this variant is likely to be disruptive. This variant has not been reported in the literature in individuals affected with TSPAN12-related conditions. This variant is not present in population databases (ExAC no frequency).